The following is an entry in ClinVar:

ClinVar aggregate classification (germline): Uncertain significance (1 of 4 stars; one submission).

Allele frequency attached by ClinVar (database versions not stated): gnomAD exomes below 0.00001.
gnomAD v4.1: 3 of 1,613,964 alleles (0.00019%); highest among the groups gnomAD compares: Non-Finnish European, 0.00025%; no homozygotes.

Submission:

Labcorp Genetics (formerly Invitae), Labcorp
Classification: Uncertain significance. Last evaluated: 2023-11-13. Review status: criteria provided, single submitter. Criteria: Invitae Variant Classification Sherloc (09022015). Collection method: clinical testing. Allele origin: germline.
Comment: This sequence change replaces serine, which is neutral and polar, with leucine, which is neutral and non-polar, at codon 265 of the RGS9 protein (p.Ser265Leu). This variant is not present in population databases (gnomAD no frequency). This variant has not been reported in the literature in individuals affected with RGS9-related conditions. ClinVar contains an entry for this variant (Variation ID: 1715567). Advanced modeling of protein sequence and biophysical properties (such as structural, functional, and spatial information, amino acid conservation, physicochemical variation, residue mobility, and thermodynamic stability) performed at Invitae indicates that this missense variant is not expected to disrupt RGS9 protein function with a negative predictive value of 80%. In summary, the available evidence is currently insufficient to determine the role of this variant in disease. Therefore, it has been classified as a Variant of Uncertain Significance.

NM_003835.4(RGS9):c.794C>T (p.Ser265Leu)

Gene: RGS9 (regulator of G protein signaling 9; plus strand). Cytogenetic location: 17q24.1.
Variant type: single nucleotide variant.
Coding change: c.794C>T on transcript NM_003835.4 (MANE Select); coding-DNA position 794, C replaced by T.
Protein change: p.Ser265Leu; replaces serine 265 with leucine.
Molecular consequence: missense variant.
Genome position (GRCh38, 1-based): chr17:65,193,590, C>T. VCF-style: chr17-65193590-C-T. GRCh37 (hg19) VCF-style: chr17-63189708-C-T.
Other names: c.785C>T, p.Ser262Leu (NM_001081955.3, NM_001165933.2); short protein forms S262L, S265L.
Identifiers: ClinVar variation 1715567 (VCV001715567.5), dbSNP rs2509411951, ClinGen allele CA400665510.